The following is an entry in ClinVar:

NM_004991.4(MECOM):c.645C>G (p.Asp215Glu)

Gene: MECOM (MDS1 and EVI1 complex locus; minus strand). Cytogenetic location: 3q26.2.
Variant type: single nucleotide variant.
Coding change: c.645C>G on transcript NM_004991.4 (MANE Select); coding-DNA position 645, C replaced by G.
Protein change: p.Asp215Glu; replaces aspartic acid 215 with glutamic acid.
Molecular consequence: missense variant.
Genome position (GRCh38, 1-based): chr3:169,128,029, G>C on the plus strand (C>G on the coding strand, the complement: MECOM is on the minus strand). VCF-style: chr3-169128029-G-C. GRCh37 (hg19) VCF-style: chr3-168845817-G-C.
Other names: c.273C>G, p.Asp91Glu (NM_001105077.4); c.81C>G, p.Asp27Glu (NM_001105078.4, NM_001163999.2, NM_001164000.2 and 9 more transcripts); c.645C>G, p.Asp215Glu (NM_001366466.2, NM_001366473.2); short protein forms D215E, D27E, D91E.
Identifiers: ClinVar variation 4105773 (VCV004105773.1).

ClinVar aggregate classification (germline): Uncertain significance (1 of 4 stars; one submission).

Conditions:
Inborn genetic diseases. Identifiers: MedGen C0950123, MeSH D030342.

Submission:

Ambry Genetics
Classification: Uncertain significance for Inborn genetic diseases. Last evaluated: 2025-07-14. Review status: criteria provided, single submitter. Criteria: Ambry Variant Classification Scheme 2023. Collection method: clinical testing. Allele origin: germline.
Comment: The p.D215E variant (also known as c.645C>G), located in coding exon 5 of the MECOM gene, results from a C to G substitution at nucleotide position 645. The aspartic acid at codon 215 is replaced by glutamic acid, an amino acid with highly similar properties. This amino acid position is conserved. In addition, this alteration is predicted to be tolerated by in silico analysis. Based on the available evidence, the clinical significance of this variant remains unclear.